The following is an entry in ClinVar:

NM_003742.4(ABCB11):c.554T>C (p.Met185Thr)

Gene: ABCB11 (ATP binding cassette subfamily B member 11; minus strand). Cytogenetic location: 2q31.1.
Variant type: single nucleotide variant.
Coding change: c.554T>C on transcript NM_003742.4 (MANE Select); coding-DNA position 554, T replaced by C.
Protein change: p.Met185Thr; replaces methionine 185 with threonine.
Molecular consequence: missense variant.
Genome position (GRCh38, 1-based): chr2:168,995,406, A>G on the plus strand (T>C on the coding strand, the complement: ABCB11 is on the minus strand). VCF-style: chr2-168995406-A-G. GRCh37 (hg19) VCF-style: chr2-169851916-A-G.
Other names: short protein forms M185T.
Identifiers: ClinVar variation 1919505 (VCV001919505.2), dbSNP rs759605607, ClinGen allele CA1951849.
Genomic context (GRCh38, chr2:168,995,406, plus strand): 5'-TACTCAGAGAATCTTGTATTCAGCTCCCCCACTGAATTGCAGTCAAACCACCCTATTTCC[A>G]TTCTCATTATTCTCCTAAAGTAAAATTTTCTCATTTTCTGTATCTGACGAGCTGCGGCAA-3'
Protein context (NP_003733.2, residues 175-195): RKFYFRRIMR[Met185Thr]EIGWFDCNSV

ClinVar aggregate classification (germline): Uncertain significance (1 of 4 stars; one submission).

Submission:

Labcorp Genetics (formerly Invitae), Labcorp
Classification: Uncertain significance. Last evaluated: 2022-03-18. Review status: criteria provided, single submitter. Criteria: Invitae Variant Classification Sherloc (09022015). Collection method: clinical testing. Allele origin: germline.
Comment: This sequence change replaces methionine, which is neutral and non-polar, with threonine, which is neutral and polar, at codon 185 of the ABCB11 protein (p.Met185Thr). This variant is present in population databases (rs759605607, gnomAD 0.0009%). This variant has not been reported in the literature in individuals affected with ABCB11-related conditions. Advanced modeling of protein sequence and biophysical properties (such as structural, functional, and spatial information, amino acid conservation, physicochemical variation, residue mobility, and thermodynamic stability) performed at Invitae indicates that this missense variant is expected to disrupt ABCB11 protein function. In summary, the available evidence is currently insufficient to determine the role of this variant in disease. Therefore, it has been classified as a Variant of Uncertain Significance.